The following is an entry in ClinVar:

NM_000363.5(TNNI3):c.389A>G (p.Gln130Arg)

Gene: TNNI3 (troponin I3, cardiac type; minus strand). Cytogenetic location: 19q13.42.
Variant type: single nucleotide variant.
Coding change: c.389A>G on transcript NM_000363.5 (MANE Select); coding-DNA position 389, A replaced by G.
Protein change: p.Gln130Arg; replaces glutamine 130 with arginine.
Molecular consequence: missense variant.
Genome position (GRCh38, 1-based): chr19:55,154,190, T>C on the plus strand (A>G on the coding strand, the complement: TNNI3 is on the minus strand). VCF-style: chr19-55154190-T-C. GRCh37 (hg19) VCF-style: chr19-55665558-T-C.
Other names: c.389A>G (LRG_432t1); short protein forms Q130R.
Identifiers: ClinVar variation 629626 (VCV000629626.10), dbSNP rs1390435424, ClinGen allele CA407440757.

ClinVar aggregate classification (germline): Uncertain significance. Review status: criteria provided, multiple submitters, no conflicts (2 of 4 stars). 4 submissions from 4 submitters: Uncertain significance (4). Last evaluated 2026-05-22.

Conditions:
Cardiovascular phenotype. Identifiers: MedGen CN230736.
Hypertrophic cardiomyopathy. Also called: HYPERTROPHIC MYOCARDIOPATHY. Identifiers: Orphanet 217569, MedGen C0007194, MeSH D002312, MONDO:0005045, HP:0001639.
Cardiomyopathy (CMYO). Also called: Cardiomyopathies. Identifiers: Orphanet 167848, MedGen C0878544, MONDO:0004994, HP:0001638. Inheritance: Various modes of inheritance.

Allele frequency attached by ClinVar (database versions not stated): gnomAD exomes below 0.00001 and 0.00003.

Submissions (4):

Ambry Genetics
Classification: Uncertain significance for Cardiovascular phenotype. Last evaluated: 2026-05-22. Review status: criteria provided, single submitter. Criteria: Ambry Variant Classification Scheme 2023. Collection method: clinical testing. Allele origin: germline.
Comment: The p.Q130R variant (also known as c.389A>G), located in coding exon 7 of the TNNI3 gene, results from an A to G substitution at nucleotide position 389. The glutamine at codon 130 is replaced by arginine, an amino acid with highly similar properties. This variant was reported in individual(s) with features consistent with TNNI3-related cardiomyopathy (Morita H et al. Circulation, 2006 Jun;113:2697-705; Walsh R et al. Genet Med, 2017 Feb;19:192-203; Lorenzini M et al. J Am Coll Cardiol, 2020 Aug;76:550-559). This amino acid position is not well conserved in available vertebrate species. In addition, the in silico prediction for this alteration is inconclusive. Based on the available evidence, the clinical significance of this variant remains unclear.

Labcorp Genetics (formerly Invitae), Labcorp
Classification: Uncertain significance for Hypertrophic cardiomyopathy. Last evaluated: 2025-03-24. Review status: criteria provided, single submitter. Criteria: Invitae Variant Classification Sherloc (09022015). Collection method: clinical testing. Allele origin: germline.
Comment: This sequence change replaces glutamine, which is neutral and polar, with arginine, which is basic and polar, at codon 130 of the TNNI3 protein (p.Gln130Arg). The frequency data for this variant in the population databases is considered unreliable, as metrics indicate poor data quality at this position in the gnomAD database. This missense change has been observed in individual(s) with TNNI3-related conditions (PMID: 16754800, 27532257, 32731933, 37652022). ClinVar contains an entry for this variant (Variation ID: 629626). An algorithm developed to predict the effect of missense changes on protein structure and function (PolyPhen-2) suggests that this variant is likely to be tolerated. In summary, the available evidence is currently insufficient to determine the role of this variant in disease. Therefore, it has been classified as a Variant of Uncertain Significance.

Color Diagnostics, LLC DBA Color Health
Classification: Uncertain significance for Cardiomyopathy. Last evaluated: 2024-07-16. Review status: criteria provided, single submitter. Criteria: ACMG Guidelines, 2015. Collection method: clinical testing. Allele origin: germline.
Comment: This missense variant replaces glutamine with arginine at codon 130 of the TNNI3 protein. Computational prediction tools indicate that this variant has a neutral impact on protein structure and function. To our knowledge, functional studies have not been reported for this variant. This variant has been reported in three individuals from one family affected with hypertrophic cardiomyopathy (PMID: 27532257, 32731933). It has also been reported in an individual affected with increased left ventricular wall thickness (PMID: 16754800). This variant has been identified in 1/247986 chromosomes in the general population by the Genome Aggregation Database (gnomAD). The available evidence is insufficient to determine the role of this variant in disease conclusively. Therefore, this variant is classified as a Variant of Uncertain Significance.

All of Us Research Program, National Institutes of Health
Classification: Uncertain significance for Hypertrophic cardiomyopathy. Last evaluated: 2023-03-09. Review status: criteria provided, single submitter. Criteria: ACMG Guidelines, 2015. Collection method: clinical testing. Allele origin: germline. Inheritance: Autosomal dominant inheritance. Observed: 1 variant allele, 1 heterozygote.
Comment: This missense variant replaces glutamine with arginine at codon 130 of the TNNI3 protein. Computational prediction suggests that this variant may not impact protein structure and function (internally defined REVEL score threshold <= 0.5, PMID: 27666373). To our knowledge, functional studies have not been reported for this variant. This variant has been reported in 3 individuals from one family affected with hypertrophic cardiomyopathy (PMID: 27532257, 32731933). It has also been reported in an individual affected with increased left ventricular wall thickness (PMID: 16754800). This variant has been identified in 1/247986 chromosomes in the general population by the Genome Aggregation Database (gnomAD). The available evidence is insufficient to determine the role of this variant in disease conclusively. Therefore, this variant is classified as a Variant of Uncertain Significance.

This study involves interpretation of variants in research participants for the purpose of population health screening. Participant phenotype was not available at the time of variant classification. Additional details can be found in publication PMID: 35346344, PMCID: PMC8962531

Literature cited by the submitters: PubMed 16754800 (cited by 4 submitters); PubMed 27532257 (cited by 4 submitters); PubMed 32731933 (cited by 4 submitters); PubMed 37652022 (cited by Labcorp Genetics (formerly Invitae), Labcorp).